The following is an entry in ClinVar:

NM_181426.2(CCDC39):c.2299T>C (p.Leu767=)

Genes: CCDC39 (coiled-coil domain 39 molecular ruler complex subunit; minus strand), TTC14 (tetratricopeptide repeat domain 14; plus strand). Cytogenetic location: 3q26.33.
Variant type: single nucleotide variant.
Coding change: c.2299T>C on transcript NM_181426.2 (MANE Select); coding-DNA position 2299, T replaced by C.
Protein change: p.Leu767=; no amino-acid change (leucine 767 retained).
Molecular consequence: synonymous variant. On other transcripts: intron variant (1).
Genome position (GRCh38, 1-based): chr3:180,616,933, A>G on the plus strand (T>C on the coding strand, the complement: CCDC39 is on the minus strand). VCF-style: chr3-180616933-A-G. GRCh37 (hg19) VCF-style: chr3-180334721-A-G.
Other names: c.1775-447A>G (NM_001288582.2).
Identifiers: ClinVar variation 219954 (VCV000219954.47), dbSNP rs200913298, ClinGen allele CA350150.

ClinVar aggregate classification (germline): Conflicting classifications of pathogenicity. Review status: criteria provided, conflicting classifications (1 of 4 stars). 8 submissions from 8 submitters: Uncertain significance (1); Benign (2); Likely benign (5). Last evaluated 2026-01-25.

Conditions:
Primary ciliary dyskinesia. Also called: Ciliary dyskinesia. Identifiers: Orphanet 244, MedGen C0008780, MONDO:0016575, HP:0012265.
Primary ciliary dyskinesia 14. Also called: CILIARY DYSKINESIA, PRIMARY, 14, WITH OR WITHOUT SITUS INVERSUS. Identifiers: Orphanet 244, MedGen C3151136, MONDO:0013434, OMIM 613807.

Allele frequency attached by ClinVar (database versions not stated): gnomAD exomes 0.00359 and 0.00225; ESP Exome Variant Server 0.00197; 1000 Genomes Project 0.00020; TOPMed 0.00190; ExAC 0.00290; gnomAD 0.00224 and 0.00238; 1000 Genomes Project 30x 0.00047.
gnomAD v4.1: 4,984 of 1,477,180 alleles (0.34%); highest among the groups gnomAD compares: Non-Finnish European, 0.43%; 16 homozygotes.

Submissions (8):

Labcorp Genetics (formerly Invitae), Labcorp
Classification: Benign for Primary ciliary dyskinesia. Last evaluated: 2026-01-25. Review status: criteria provided, single submitter. Criteria: Invitae Variant Classification Sherloc (09022015). Collection method: clinical testing. Allele origin: germline.

ARUP Laboratories, Molecular Genetics and Genomics, ARUP Laboratories
Classification: Likely benign for Primary ciliary dyskinesia 14. Last evaluated: 2025-07-02. Review status: criteria provided, single submitter. Criteria: ARUP Molecular Germline Variant Investigation Process 2024. Collection method: clinical testing. Allele origin: germline.

CeGaT Center for Human Genetics Tuebingen
Classification: Likely benign. Last evaluated: 2025-02-01. Review status: criteria provided, single submitter. Criteria: CeGaT Center For Human Genetics Tuebingen Variant Classification Criteria Version 2. Collection method: clinical testing. Allele origin: germline. Affected: yes. Observed: 4 variant alleles.
Comment: CCDC39: BP4, BP7, BS2

Blueprint Genetics
Classification: Likely benign. Last evaluated: 2024-11-21. Review status: criteria provided, single submitter. Criteria: ACMG Guidelines, 2015. Collection method: clinical testing. Allele origin: germline.

Illumina Laboratory Services, Illumina
Classification: Uncertain significance for Primary ciliary dyskinesia 14. Last evaluated: 2018-01-13. Review status: criteria provided, single submitter. Criteria: ICSL Variant Classification Criteria 13 December 2019. Collection method: clinical testing. Allele origin: germline.

Ambry Genetics
Classification: Benign for Primary ciliary dyskinesia. Last evaluated: 2017-01-06. Review status: criteria provided, single submitter. Criteria: Ambry Variant Classification Scheme 2023. Collection method: clinical testing. Allele origin: germline.

Laboratory for Molecular Medicine, Mass General Brigham Personalized Medicine
Classification: Likely benign. Last evaluated: 2013-02-21. Review status: criteria provided, single submitter. Criteria: LMM Criteria. Collection method: clinical testing. Allele origin: germline. Observed: 1 variant allele.
Comment: Leu767Leu in exon 17 of CCDC39: This variant is not expected to have clinical significance because it does not alter an amino acid residue and is not located within the splice consensus sequence. It has been identified in 0.3% (23/8112) of European American chromosomes from a broad population by the NHLBI Exome Sequencing Project (dbSNP rs200913298).

PreventionGenetics, part of Exact Sciences
Classification: Likely benign. Review status: criteria provided, single submitter. Criteria: ACMG Guidelines, 2015. Collection method: clinical testing. Allele origin: germline.